The following is an entry in ClinVar:

NM_000540.3(RYR1):c.14684G>T (p.Gly4895Val)

Gene: RYR1 (ryanodine receptor 1; plus strand). Cytogenetic location: 19q13.2.
Variant type: single nucleotide variant.
Coding change: c.14684G>T on transcript NM_000540.3 (MANE Select); coding-DNA position 14684, G replaced by T.
Protein change: p.Gly4895Val; replaces glycine 4895 with valine.
Molecular consequence: missense variant.
Genome position (GRCh38, 1-based): chr19:38,584,980, G>T. VCF-style: chr19-38584980-G-T. GRCh37 (hg19) VCF-style: chr19-39075620-G-T.
Other names: c.14669G>T, p.Gly4890Val (NM_001042723.2); short protein forms G4890V, G4895V.
Identifiers: ClinVar variation 662610 (VCV000662610.8), dbSNP rs1599674179, ClinGen allele CA405690270.

ClinVar aggregate classification (germline): Pathogenic (1 of 4 stars; one submission).

Conditions:
RYR1-related disorder. Also called: RYR1-related disorders; RYR1-related condition. Identifiers: MedGen CN239331.

Submission:

Labcorp Genetics (formerly Invitae), Labcorp
Classification: Pathogenic for RYR1-related disorder. Last evaluated: 2018-10-11. Review status: criteria provided, single submitter. Criteria: Invitae Variant Classification Sherloc (09022015). Collection method: clinical testing. Allele origin: germline.
Comment: This missense change is located in a region of the RYR1 protein where a significant number of previously reported RYR1 missense mutations are found (PMID: 16084090). These observations suggest that a previously unreported missense substitution within this region may affect protein function, but experiments have not been done to test this possibility. For these reasons, this variant has been classified as Pathogenic. Algorithms developed to predict the effect of missense changes on protein structure and function are either unavailable or do not agree on the potential impact of this missense change (SIFT: "Deleterious"; PolyPhen-2: "Possibly Damaging"; Align-GVGD: "Class C0"). This sequence change replaces glycine with valine at codon 4895 of the RYR1 protein (p.Gly4895Val). The glycine residue is highly conserved and there is a moderate physicochemical difference between glycine and valine. This variant is not present in population databases (ExAC no frequency).

Literature cited by the submitters: PubMed 16084090.